The following is an entry in ClinVar:

NM_013382.7(POMT2):c.1891+49C>T

Gene: POMT2 (protein O-mannosyltransferase 2; minus strand). Cytogenetic location: 14q24.3.
Variant type: single nucleotide variant.
Coding change: c.1891+49C>T on transcript NM_013382.7 (MANE Select); 49 bases into the intron after coding-DNA position 1891, C replaced by T.
Molecular consequence: intron variant.
Genome position (GRCh38, 1-based): chr14:77,279,774, G>A on the plus strand (C>T on the coding strand, the complement: POMT2 is on the minus strand). VCF-style: chr14-77279774-G-A. GRCh37 (hg19) VCF-style: chr14-77746117-G-A.
Identifiers: ClinVar variation 260298 (VCV000260298.7), dbSNP rs61990292, ClinGen allele CA7285649.

ClinVar aggregate classification (germline): Benign/Likely benign. Review status: criteria provided, multiple submitters, no conflicts (2 of 4 stars). 4 submissions from 4 submitters: Benign (2); Likely benign (2). Last evaluated 2018-06-19.

Allele frequency attached by ClinVar (database versions not stated): 1000 Genomes Project 0.01837; 1000 Genomes Project 30x 0.01999; TOPMed 0.04017; gnomAD 0.04092 and 0.04323; gnomAD exomes 0.04141 and 0.05904; ESP Exome Variant Server 0.04400; ExAC 0.05999.
gnomAD v4.1: 89,174 of 1,567,636 alleles (5.7%); highest among the groups gnomAD compares: Non-Finnish European, 6.9%; 3,034 homozygotes.

Submissions (4):

GeneDx
Classification: Benign. Last evaluated: 2018-06-19. Review status: criteria provided, single submitter. Criteria: GeneDx Variant Classification (06012015). Collection method: clinical testing. Allele origin: germline. Affected: yes.
Comment: This variant is considered likely benign or benign based on one or more of the following criteria: it is a conservative change, it occurs at a poorly conserved position in the protein, it is predicted to be benign by multiple in silico algorithms, and/or has population frequency not consistent with disease.

Eurofins Ntd Llc (ga)
Classification: Benign. Last evaluated: 2017-02-01. Review status: criteria provided, single submitter. Criteria: EGL Classification Definitions 2015. Collection method: clinical testing. Allele origin: germline. Observed: 2 variant alleles, 2 heterozygotes.

Breakthrough Genomics
Classification: Likely benign. Review status: criteria provided, single submitter. Criteria: ACMG Guidelines, 2015. Collection method: not provided. Allele origin: germline. Inheritance: Autosomal recessive inheritance. Affected: yes.

PreventionGenetics, part of Exact Sciences
Classification: Likely benign. Review status: criteria provided, single submitter. Criteria: ACMG Guidelines, 2015. Collection method: clinical testing. Allele origin: germline.